The following is an entry in ClinVar:

ClinVar aggregate classification (germline): Uncertain significance. Review status: criteria provided, single submitter (1 of 4 stars). 2 submissions from 2 submitters: Uncertain significance (1). 1 of the submissions does not count toward it. Last evaluated 2023-04-13.

Conditions:
VPS37A-related disorder. Also called: VPS37A-related condition.
Hereditary spastic paraplegia 53. Also called: Spastic paraplegia 53, autosomal recessive. Identifiers: Orphanet 319199, MedGen C3539494, MONDO:0013962, OMIM 614898.

Allele frequency attached by ClinVar (database versions not stated): gnomAD exomes 0.00004; gnomAD 0.00010; TOPMed 0.00014; ExAC 0.00020; 1000 Genomes Project 30x 0.00078; 1000 Genomes Project 0.00080.
gnomAD v4.1: 77 of 1,613,890 alleles (0.0048%); highest among the groups gnomAD compares: East Asian, 0.15%; no homozygotes.

Submissions (2):

Labcorp Genetics (formerly Invitae), Labcorp
Classification: Uncertain significance for Hereditary spastic paraplegia 53. Last evaluated: 2023-04-13. Review status: criteria provided, single submitter. Criteria: Invitae Variant Classification Sherloc (09022015). Collection method: clinical testing. Allele origin: germline.
Comment: In summary, the available evidence is currently insufficient to determine the role of this variant in disease. Therefore, it has been classified as a Variant of Uncertain Significance. Advanced modeling of protein sequence and biophysical properties (such as structural, functional, and spatial information, amino acid conservation, physicochemical variation, residue mobility, and thermodynamic stability) performed at Invitae indicates that this missense variant is not expected to disrupt VPS37A protein function. This sequence change replaces histidine, which is basic and polar, with tyrosine, which is neutral and polar, at codon 390 of the VPS37A protein (p.His390Tyr). This variant is present in population databases (rs200490159, gnomAD 0.2%), and has an allele count higher than expected for a pathogenic variant. This variant has not been reported in the literature in individuals affected with VPS37A-related conditions. ClinVar contains an entry for this variant (Variation ID: 2195472).

PreventionGenetics, part of Exact Sciences
Classification: Likely benign for VPS37A-related condition. Last evaluated: 2022-03-01. Review status: no assertion criteria provided. Collection method: clinical testing. Allele origin: germline. Not counted in ClinVar's aggregate classification.
Comment: This variant is classified as likely benign based on ACMG/AMP sequence variant interpretation guidelines (Richards et al. 2015 PMID: 25741868, with internal and published modifications).

NM_152415.3(VPS37A):c.1168C>T (p.His390Tyr)

Gene: VPS37A (VPS37A subunit of ESCRT-I; plus strand). Cytogenetic location: 8p22.
Variant type: single nucleotide variant.
Coding change: c.1168C>T on transcript NM_152415.3 (MANE Select); coding-DNA position 1168, C replaced by T.
Protein change: p.His390Tyr; replaces histidine 390 with tyrosine.
Molecular consequence: missense variant.
Genome position (GRCh38, 1-based): chr8:17,286,401, C>T. VCF-style: chr8-17286401-C-T. GRCh37 (hg19) VCF-style: chr8-17143910-C-T.
Other names: c.1093C>T, p.His365Tyr (NM_001145152.2); c.1150C>T, p.His384Tyr (NM_001363167.1); c.898C>T, p.His300Tyr (NM_001363168.1, NM_001363169.1); c.880C>T, p.His294Tyr (NM_001363170.1, NM_001363171.1, NM_001363172.2); c.1168C>T, p.His390Tyr (NM_001363173.2); c.1168C>T (NM_152415.2); short protein forms H365Y, H300Y, H390Y, H294Y, H384Y.
Identifiers: ClinVar variation 2195472 (VCV002195472.6), dbSNP rs200490159, ClinGen allele CA4643642.